The following is an entry in ClinVar:

NM_001042492.3(NF1):c.6936C>G (p.His2312Gln)

Gene: NF1 (neurofibromin 1; plus strand). Cytogenetic location: 17q11.2.
Variant type: single nucleotide variant.
Coding change: c.6936C>G on transcript NM_001042492.3 (MANE Select); coding-DNA position 6936, C replaced by G.
Protein change: p.His2312Gln; replaces histidine 2312 with glutamine.
Molecular consequence: missense variant.
Genome position (GRCh38, 1-based): chr17:31,340,519, C>G. VCF-style: chr17-31340519-C-G. GRCh37 (hg19) VCF-style: chr17-29667537-C-G.
Other names: c.6873C>G, p.His2291Gln (NM_000267.4); short protein forms H2291Q, H2312Q.
Identifiers: ClinVar variation 570613 (VCV000570613.9), dbSNP rs1567618937, ClinGen allele CA399014869.

ClinVar aggregate classification (germline): Uncertain significance. Review status: criteria provided, multiple submitters, no conflicts (2 of 4 stars). 3 submissions from 3 submitters: Uncertain significance (3). Last evaluated 2025-10-26.

Conditions:
Café-au-lait macules with pulmonary stenosis (WTSN). Also called: PULMONIC STENOSIS WITH CAFE-AU-LAIT SPOTS. Identifiers: MedGen C0553586, MONDO:0008672, OMIM 193520.
Neurofibromatosis, familial spinal (FSNF). Identifiers: Orphanet 636, MedGen C1834235, MONDO:0008078, OMIM 162210. Disease mechanism: loss of function.
Juvenile myelomonocytic leukemia (JMML). Also called: LEUKEMIA, JUVENILE MYELOMONOCYTIC, SOMATIC. Identifiers: Orphanet 86834, MedGen C0349639, MONDO:0011908, OMIM 607785, HP:0012209.
Neurofibromatosis-Noonan syndrome (NFNS). Also called: NEUROFIBROMATOSIS WITH NOONAN PHENOTYPE. Identifiers: Orphanet 638, MedGen C2931482, MONDO:0011035, OMIM 601321. Disease mechanism: loss of function.
Neurofibromatosis, type 1 (NF1). Also called: Peripheral type neurofibromatosis; VON RECKLINGHAUSEN DISEASE; Neurofibromatosis, type I; NEUROFIBROMATOSIS, TYPE I, SOMATIC. Identifiers: Orphanet 636, MedGen C0027831, MONDO:0018975, OMIM 162200. Disease mechanism: loss of function.
Cardiovascular phenotype. Identifiers: MedGen CN230736.
Hereditary cancer-predisposing syndrome. Also called: Hereditary neoplastic syndrome; Neoplastic Syndromes, Hereditary; Hereditary Cancer Syndrome; Tumor predisposition. Identifiers: Orphanet 140162, MedGen C0027672, MeSH D009386, MONDO:0015356.

Allele frequency attached by ClinVar (database versions not stated): gnomAD exomes below 0.00001; gnomAD 0.00001.
gnomAD v4.1: 2 of 1,614,060 alleles (0.00012%); highest among the groups gnomAD compares: Admixed American, 0.0033%; no homozygotes.

Submissions (3):

Labcorp Genetics (formerly Invitae), Labcorp
Classification: Uncertain significance for Neurofibromatosis, type 1. Last evaluated: 2025-10-26. Review status: criteria provided, single submitter. Criteria: Invitae Variant Classification Sherloc (09022015). Collection method: clinical testing. Allele origin: germline.
Comment: This sequence change replaces histidine, which is basic and polar, with glutamine, which is neutral and polar, at codon 2291 of the NF1 protein (p.His2291Gln). This variant is not present in population databases (gnomAD no frequency). This variant has not been reported in the literature in individuals affected with NF1-related conditions. ClinVar contains an entry for this variant (Variation ID: 570613). Invitae Evidence Modeling of protein sequence and biophysical properties (such as structural, functional, and spatial information, amino acid conservation, physicochemical variation, residue mobility, and thermodynamic stability) has been performed for this missense variant. However, the output from this modeling did not meet the statistical confidence thresholds required to predict the impact of this variant on NF1 protein function. In summary, the available evidence is currently insufficient to determine the role of this variant in disease. Therefore, it has been classified as a Variant of Uncertain Significance.

Ambry Genetics
Classification: Uncertain significance for Cardiovascular phenotype; Hereditary cancer-predisposing syndrome. Last evaluated: 2023-11-09. Review status: criteria provided, single submitter. Criteria: Ambry Variant Classification Scheme 2023. Collection method: clinical testing. Allele origin: germline.
Comment: The p.H2291Q variant (also known as c.6873C>G), located in coding exon 46 of the NF1 gene, results from a C to G substitution at nucleotide position 6873. The histidine at codon 2291 is replaced by glutamine, an amino acid with highly similar properties. This amino acid position is conserved. In addition, the in silico prediction for this alteration is inconclusive. Since supporting evidence is limited at this time, the clinical significance of this alteration remains unclear.

Fulgent Genetics
Classification: Uncertain significance for Neurofibromatosis, type 1; Neurofibromatosis, familial spinal; Café-au-lait macules with pulmonary stenosis; Neurofibromatosis-Noonan syndrome; Juvenile myelomonocytic leukemia. Last evaluated: 2022-02-17. Review status: criteria provided, single submitter. Criteria: ACMG Guidelines, 2015. Collection method: clinical testing. Allele origin: unknown.